The following is an entry in ClinVar:

ClinVar aggregate classification (germline): Conflicting classifications of pathogenicity. Review status: criteria provided, conflicting classifications (1 of 4 stars). 5 submissions from 5 submitters: Likely pathogenic (1); Uncertain significance (4). Last evaluated 2022-10-03.

Conditions:
Hypertrophic cardiomyopathy 4. Also called: Familial hypertrophic cardiomyopathy 4. Identifiers: MedGen C1861862, MONDO:0007268, OMIM 115197.
Hypertrophic cardiomyopathy. Also called: HYPERTROPHIC MYOCARDIOPATHY. Identifiers: Orphanet 217569, MedGen C0007194, MeSH D002312, MONDO:0005045, HP:0001639.

Submissions (5):

Labcorp Genetics (formerly Invitae), Labcorp
Classification: Likely pathogenic for Hypertrophic cardiomyopathy. Last evaluated: 2022-10-03. Review status: criteria provided, single submitter. Criteria: Invitae Variant Classification Sherloc (09022015). Collection method: clinical testing. Allele origin: germline.
Comment: In summary, the currently available evidence indicates that the variant is pathogenic, but additional data are needed to prove that conclusively. Therefore, this variant has been classified as Likely Pathogenic. This variant disrupts the p.Ala848 amino acid residue in MYBPC3. Other variant(s) that disrupt this residue have been observed in individuals with MYBPC3-related conditions (PMID: 23816408, 25740977, 33782553), which suggests that this may be a clinically significant amino acid residue. Algorithms developed to predict the effect of missense changes on protein structure and function (SIFT, PolyPhen-2, Align-GVGD) all suggest that this variant is likely to be disruptive. ClinVar contains an entry for this variant (Variation ID: 220872). This missense change has been observed in individuals with hypertrophic or dilated cardiomyopathy (PMID: 25740977, 28408708, 28416588; Invitae). This variant is not present in population databases (gnomAD no frequency). This sequence change replaces alanine, which is neutral and non-polar, with glutamic acid, which is acidic and polar, at codon 848 of the MYBPC3 protein (p.Ala848Glu).

GeneDx
Classification: Uncertain significance. Last evaluated: 2022-06-22. Review status: criteria provided, single submitter. Criteria: GeneDx Variant Classification Process June 2021. Collection method: clinical testing. Allele origin: germline. Affected: yes.
Comment: Not observed at significant frequency in large population cohorts (gnomAD); In silico analysis supports that this missense variant has a deleterious effect on protein structure/function; This variant is associated with the following publications: (PMID: 17643520, 25740977, 28416588, 31514951, 28408708, 28790153)

Mayo Clinic Laboratories, Mayo Clinic
Classification: Uncertain significance. Last evaluated: 2021-10-20. Review status: criteria provided, single submitter. Criteria: ACMG Guidelines, 2015. Collection method: clinical testing. Allele origin: germline.

Agnes Ginges Centre for Molecular Cardiology, Centenary Institute
Classification: Uncertain significance for Hypertrophic cardiomyopathy 4. Last evaluated: 2018-09-18. Review status: criteria provided, single submitter. Criteria: ACMG Guidelines, 2015. Collection method: research. Allele origin: germline. Inheritance: Autosomal dominant inheritance. Affected: yes.
Comment: This MYBPC3 Ala848Glu variant has been reported in 1 patient with HCM (Calore, et al., 2015) and 1 patient with DCM (Dal Ferro M, et al., 2017). It is absent from the Genome Aggregation Database. Computational tools SIFT, MutationTaster, and PolyPhen-2 predict this variant to have a deleterious effect, but no prediction is called by PolyPhen-HCM. Interestingly different variants at the same amino acid position (Ala848Gly and Ala848Glyfs*) have been reported in cardiomyopathies. Based on the adapted ACMG guidelines (Kelly MA, et al., 2018) this variant is rare in the general population (PM2), segregates with disease (PP1), in silico tools predict aberrant splicing to occur (PP3) and has been identified in a total of 3 probands (PS4_supporting), therefore we classify MYBPC3 Ala848Glu as a variant of "uncertain significance".

Stanford Center for Inherited Cardiovascular Disease, Stanford University
Classification: Uncertain significance. Last evaluated: 2018-01-12. Review status: criteria provided, single submitter. Criteria: ACMG Guidelines, 2015. Collection method: provider interpretation. Allele origin: germline.

Literature cited by the submitters: PubMed 23816408 (cited by Labcorp Genetics (formerly Invitae), Labcorp); PubMed 25740977 (cited by Labcorp Genetics (formerly Invitae), Labcorp and Agnes Ginges Centre for Molecular Cardiology, Centenary Institute); PubMed 33782553 (cited by Labcorp Genetics (formerly Invitae), Labcorp); PubMed 28408708 (cited by Labcorp Genetics (formerly Invitae), Labcorp and Agnes Ginges Centre for Molecular Cardiology, Centenary Institute); PubMed 28416588 (cited by Labcorp Genetics (formerly Invitae), Labcorp and Agnes Ginges Centre for Molecular Cardiology, Centenary Institute); PubMed 17643520 (cited by Agnes Ginges Centre for Molecular Cardiology, Centenary Institute).

NM_000256.3(MYBPC3):c.2543C>A (p.Ala848Glu)

Gene: MYBPC3 (myosin binding protein C3; minus strand). Cytogenetic location: 11p11.2.
Variant type: single nucleotide variant.
Coding change: c.2543C>A on transcript NM_000256.3 (MANE Select); coding-DNA position 2543, C replaced by A.
Protein change: p.Ala848Glu; replaces alanine 848 with glutamic acid.
Molecular consequence: missense variant.
Genome position (GRCh38, 1-based): chr11:47,337,450, G>T on the plus strand (C>A on the coding strand, the complement: MYBPC3 is on the minus strand). VCF-style: chr11-47337450-G-T. GRCh37 (hg19) VCF-style: chr11-47359001-G-T.
Other names: p.Ala848Glu; c.2543C>A, p.Ala848Glu (LRG_386t1); short protein forms A848E.
Identifiers: ClinVar variation 220872 (VCV000220872.17), dbSNP rs730880569, ClinGen allele CA349345.